The following is an entry in ClinVar:

NM_004387.4(NKX2-5):c.107G>C (p.Arg36Pro)

Gene: NKX2-5 (NK2 homeobox 5; minus strand). Cytogenetic location: 5q35.1.
Variant type: single nucleotide variant.
Coding change: c.107G>C on transcript NM_004387.4 (MANE Select); coding-DNA position 107, G replaced by C.
Protein change: p.Arg36Pro; replaces arginine 36 with proline.
Molecular consequence: missense variant.
Genome position (GRCh38, 1-based): chr5:173,234,977, C>G on the plus strand (G>C on the coding strand, the complement: NKX2-5 is on the minus strand). VCF-style: chr5-173234977-C-G. GRCh37 (hg19) VCF-style: chr5-172661980-C-G.
Other names: c.107G>C, p.Arg36Pro (NM_001166175.2, NM_001166176.2); short protein forms R36P.
Identifiers: ClinVar variation 5025761 (VCV005025761.1).

ClinVar aggregate classification (germline): Uncertain significance (1 of 4 stars; one submission).

Conditions:
Cardiovascular phenotype. Identifiers: MedGen CN230736.

Submission:

Ambry Genetics
Classification: Uncertain significance for Cardiovascular phenotype. Last evaluated: 2026-06-27. Review status: criteria provided, single submitter. Criteria: Ambry Variant Classification Scheme 2023. Collection method: clinical testing. Allele origin: germline.
Comment: The p.R36P variant (also known as c.107G>C), located in coding exon 1 of the NKX2-5 gene, results from a G to C substitution at nucleotide position 107. The arginine at codon 36 is replaced by proline, an amino acid with dissimilar properties. This amino acid position is conserved. In addition, the in silico prediction for this alteration is inconclusive. Based on the available evidence, the clinical significance of this variant remains unclear.